The following is an entry in ClinVar:

NM_000038.6(APC):c.311C>T (p.Ser104Leu)

Gene: APC (APC regulator of Wnt signaling pathway; plus strand). Cytogenetic location: 5q22.2.
Variant type: single nucleotide variant.
Coding change: c.311C>T on transcript NM_000038.6 (MANE Select); coding-DNA position 311, C replaced by T.
Protein change: p.Ser104Leu; replaces serine 104 with leucine.
Molecular consequence: missense variant. On other transcripts: 5 prime UTR variant (1).
Genome position (GRCh38, 1-based): chr5:112,767,279, C>T. VCF-style: chr5-112767279-C-T. GRCh37 (hg19) VCF-style: chr5-112102976-C-T.
Other names: c.311C>T, p.Ser104Leu (NM_001127510.3, NM_001354895.2, NM_001354896.2 and 2 more transcripts); c.341C>T, p.Ser114Leu (NM_001127511.3, NM_001354897.2, NM_001354902.2); c.236C>T, p.Ser79Leu (NM_001354898.2, NM_001354904.2); c.134C>T, p.Ser45Leu (NM_001354900.2, NM_001354901.2, NM_001354905.2); c.-725C>T (NM_001354906.2); short protein forms S104L, S114L, S45L, S79L.
Identifiers: ClinVar variation 570768 (VCV000570768.10), dbSNP rs74953290, ClinGen allele CA16022004.
Genomic context (GRCh38, chr5:112,767,279, plus strand): 5'-GAGTAAAACTGCGGTCAAAAATGTCCCTCCGTTCTTATGGAAGCCGGGAAGGATCTGTAT[C>T]AAGCCGTTCTGGAGAGTGCAGTCCTGTTCCTATGGGTTCATTTCCAAGAAGAGGGTTTGT-3'
Protein context (NP_000029.2, residues 94-114): RSYGSREGSV[Ser104Leu]SRSGECSPVP

ClinVar aggregate classification (germline): Uncertain significance (1 of 4 stars; one submission).

Conditions:
Familial adenomatous polyposis 1 (FAP1). Also called: POLYPOSIS, ADENOMATOUS INTESTINAL; FAMILIAL ADENOMATOUS POLYPOSIS 1, ATTENUATED. Identifiers: MedGen C2713442, MONDO:0021056, OMIM 175100. Disease mechanism: loss of function.

Submission:

Labcorp Genetics (formerly Invitae), Labcorp
Classification: Uncertain significance for Familial adenomatous polyposis 1. Last evaluated: 2018-05-09. Review status: criteria provided, single submitter. Criteria: Invitae Variant Classification Sherloc (09022015). Collection method: clinical testing. Allele origin: germline.
Comment: This sequence change replaces serine with leucine at codon 104 of the APC protein (p.Ser104Leu). The serine residue is highly conserved and there is a large physicochemical difference between serine and leucine. This variant is not present in population databases (ExAC no frequency). In summary, the available evidence is currently insufficient to determine the role of this variant in disease. Therefore, it has been classified as a Variant of Uncertain Significance. Algorithms developed to predict the effect of missense changes on protein structure and function (SIFT, PolyPhen-2, Align-GVGD) all suggest that this variant is likely to be tolerated, but these predictions have not been confirmed by published functional studies and their clinical significance is uncertain. This variant has not been reported in the literature in individuals with APC-related disease.